The following is an entry in ClinVar:

ClinVar aggregate classification (germline): Benign (1 of 4 stars; one submission).

Submission:

Laboratory for Molecular Medicine, Mass General Brigham Personalized Medicine
Classification: Benign. Last evaluated: 2016-03-28. Review status: criteria provided, single submitter. Criteria: LMM Criteria. Collection method: clinical testing. Allele origin: germline.
Comment: Variant identified in a genome or exome case(s) and assessed due to predicted null impact of the variant or pathogenic assertions in the literature or databases. Disclaimer: This variant has not undergone full assessment. The following are preliminary notes: Frequency

NM_003019.5(SFTPD):c.752-19_752-16del

Gene: SFTPD (surfactant protein D; minus strand). Cytogenetic location: 10q22.3.
Variant type: Deletion.
Coding change: c.752-19_752-16del on transcript NM_003019.5 (MANE Select); 19 bases into the intron before coding-DNA position 752 through 16 bases into the intron before coding-DNA position 752, 4 bases deleted (GACT; older notation c.752-19_752-16delGACT).
Molecular consequence: intron variant.
Genome position (GRCh38, 1-based): chr10:79,938,244-79,938,247, AGTC deleted on the plus strand (GACT on the coding strand, the reverse complement: SFTPD is on the minus strand); deleting any 4 consecutive bases within chr10:79,938,244-79,938,249 gives the same sequence; the c. name uses the placement nearest the transcript's 3' end. VCF-style (leftmost placement, unchanged base first): chr10-79938243-AAGTC-A. GRCh37 (hg19) VCF-style: chr10-81697999-AAGTC-A.
Identifiers: ClinVar variation 403430 (VCV000403430.4), dbSNP rs17880072, ClinGen allele CA5575052.